The following is an entry in ClinVar:

NM_001256317.3(TMPRSS3):c.238C>T (p.Arg80Cys)

Gene: TMPRSS3 (transmembrane serine protease 3; minus strand). Cytogenetic location: 21q22.3.
Variant type: single nucleotide variant.
Coding change: c.238C>T on transcript NM_001256317.3 (MANE Select); coding-DNA position 238, C replaced by T.
Protein change: p.Arg80Cys; replaces arginine 80 with cysteine.
Molecular consequence: missense variant. On other transcripts: 5 prime UTR variant (1).
Genome position (GRCh38, 1-based): chr21:42,389,013, G>A on the plus strand (C>T on the coding strand, the complement: TMPRSS3 is on the minus strand). VCF-style: chr21-42389013-G-A. GRCh37 (hg19) VCF-style: chr21-43809122-G-A.
Other names: c.238C>T, p.Arg80Cys (NM_024022.4, NM_032405.2); c.-144C>T (NM_032404.3); short protein forms R80C.
Identifiers: ClinVar variation 228296 (VCV000228296.9), dbSNP rs143733205, ClinGen allele CA10042703.
Genomic context (GRCh38, chr21:42,389,013, plus strand): 5'-CTTTGCAATCCGAGACTCCGTCACATCGAGCTATCAGCTCGATACACTTAAAGGATGAGC[G>A]ACATCTGTACTTCCCTGAGCAGTCGAAGTGGACTGGGAAAAGGGAGGAAGGCAGGAATTA-3'
Protein context (NP_001243246.1, residues 70-90): HFDCSGKYRC[Arg80Cys]SSFKCIELIA

ClinVar aggregate classification (germline): Conflicting classifications of pathogenicity. Review status: criteria provided, conflicting classifications (1 of 4 stars). 4 submissions from 4 submitters: Likely pathogenic (1); Uncertain significance (3). Last evaluated 2026-10-06.

Allele frequency attached by ClinVar (database versions not stated): ExAC 0.00005; TOPMed 0.00010.

Submissions (4):

GeneDx
Classification: Likely pathogenic. Last evaluated: 2026-10-06. Review status: criteria provided, single submitter. Criteria: GeneDx Variant Classification Process June 2021. Collection method: clinical testing. Allele origin: germline.
Comment: In silico analysis supports that this missense variant has a deleterious effect on protein structure/function; This variant is associated with the following publications: (PMID: 31589614, 34868270)

Women's Health and Genetics/Laboratory Corporation of America, LabCorp
Classification: Uncertain significance. Last evaluated: 2024-06-24. Review status: criteria provided, single submitter. Criteria: LabCorp Variant Classification Summary - May 2015. Collection method: clinical testing. Allele origin: germline.
Comment: Variant summary: TMPRSS3 c.238C>T (p.Arg80Cys) results in a non-conservative amino acid change in the encoded protein sequence. Four of five in-silico tools predict a damaging effect of the variant on protein function. The variant allele was found at a frequency of 5.6e-05 in 251352 control chromosomes. This frequency is not significantly higher than estimated for a pathogenic variant in TMPRSS3 causing Deafness, Autosomal Recessive 8, allowing no conclusion about variant significance. c.238C>T has been reported in the literature in the presumed compound heterozygous state in at least 2 related individuals affected with Deafness, Autosomal Recessive 8 (example, Moon_2021). These data indicate that the variant may be associated with disease. To our knowledge, no experimental evidence demonstrating an impact on protein function has been reported. ClinVar contains an entry for this variant (Variation ID: 228296). Based on the evidence outlined above, the variant was classified as VUS-possibly pathogenic.

Blueprint Genetics
Classification: Uncertain significance. Last evaluated: 2023-09-06. Review status: criteria provided, single submitter. Criteria: ACMG Guidelines, 2015. Collection method: clinical testing. Allele origin: germline.

Laboratory for Molecular Medicine, Mass General Brigham Personalized Medicine
Classification: Uncertain significance. Last evaluated: 2018-08-21. Review status: criteria provided, single submitter. Criteria: LMM Criteria. Collection method: clinical testing. Allele origin: germline. Observed: 5 variant alleles.
Comment: Variant classified as Uncertain Significance - Favor Pathogenic. This variant has been identified in 0.016% (3/18870) of East Asian c hromosomes by the Genome Aggregation Database (gnomAD; dbSNP rs143733205). Computational prediction tools and conservation ana lyses suggest that the Arg80Cys variant may impact the protein, though this info rmation is not predictive enough to determine pathogenicity. In summary, while there is some suspicion for a pathogenic role, the clinical significance of this variant is uncertain. ACMG/AMP criteria applied: PM3_Supporting, PM2_Supporting , PP1, PP3.

Literature cited by the submitters: PubMed 34868270 (cited by Women's Health and Genetics/Laboratory Corporation of America, LabCorp).